The following is an entry in ClinVar:

ClinVar aggregate classification (germline): Uncertain significance (1 of 4 stars; one submission).

gnomAD v4.1: 9 of 1,613,964 alleles (0.00056%); highest among the groups gnomAD compares: African/African-American, 0.0027%; no homozygotes.

Submission:

Labcorp Genetics (formerly Invitae), Labcorp
Classification: Uncertain significance. Last evaluated: 2025-02-19. Review status: criteria provided, single submitter. Criteria: Invitae Variant Classification Sherloc (09022015). Collection method: clinical testing. Allele origin: germline.
Comment: This sequence change replaces alanine, which is neutral and non-polar, with threonine, which is neutral and polar, at codon 423 of the POC5 protein (p.Ala423Thr). This variant is present in population databases (rs778306755, gnomAD 0.004%). This variant has not been reported in the literature in individuals affected with POC5-related conditions. An algorithm developed to predict the effect of missense changes on protein structure and function outputs the following: PolyPhen-2: "Benign". The threonine amino acid residue is found in multiple mammalian species, which suggests that this missense change does not adversely affect protein function. In summary, the available evidence is currently insufficient to determine the role of this variant in disease. Therefore, it has been classified as a Variant of Uncertain Significance.

NM_001099271.2(POC5):c.1267G>A (p.Ala423Thr)

Gene: POC5 (POC5 centriolar protein; minus strand). Cytogenetic location: 5q13.3.
Variant type: single nucleotide variant.
Coding change: c.1267G>A on transcript NM_001099271.2 (MANE Select); coding-DNA position 1267, G replaced by A.
Protein change: p.Ala423Thr; replaces alanine 423 with threonine.
Molecular consequence: missense variant.
Genome position (GRCh38, 1-based): chr5:75,685,347, C>T on the plus strand (G>A on the coding strand, the complement: POC5 is on the minus strand). VCF-style: chr5-75685347-C-T. GRCh37 (hg19) VCF-style: chr5-74981172-C-T.
Other names: c.1192G>A, p.Ala398Thr (NM_152408.3); short protein forms A398T, A423T.
Identifiers: ClinVar variation 4754756 (VCV004754756.1).